The following is an entry in ClinVar:

NM_006734.4(HIVEP2):c.248A>G (p.Gln83Arg)

Gene: HIVEP2 (HIVEP zinc finger 2; minus strand). Cytogenetic location: 6q24.2.
Variant type: single nucleotide variant.
Coding change: c.248A>G on transcript NM_006734.4 (MANE Select); coding-DNA position 248, A replaced by G.
Protein change: p.Gln83Arg; replaces glutamine 83 with arginine.
Molecular consequence: missense variant.
Genome position (GRCh38, 1-based): chr6:142,774,491, T>C on the plus strand (A>G on the coding strand, the complement: HIVEP2 is on the minus strand). VCF-style: chr6-142774491-T-C. GRCh37 (hg19) VCF-style: chr6-143095628-T-C.
Other names: c.248A>G, p.Gln83Arg (NM_001438449.1, NM_001438450.1, NM_001438451.1); short protein forms Q83R.
Identifiers: ClinVar variation 4996199 (VCV004996199.1).

ClinVar aggregate classification (germline): Uncertain significance (1 of 4 stars; one submission).

Conditions:
HIVEP2-related disorder. Also called: HIVEP2-related condition.

gnomAD v4.1: 1 of 1,614,088 alleles (0.000062%); highest among the groups gnomAD compares: African/African-American, 0.0013%; no homozygotes.

Submission:

PreventionGenetics, part of Exact Sciences
Classification: Uncertain significance for HIVEP2-related condition. Last evaluated: 2026-02-25. Review status: criteria provided, single submitter. Criteria: ACMG Guidelines, 2015. Collection method: clinical testing. Allele origin: germline.
Comment: The HIVEP2 c.248A>G variant is predicted to result in the amino acid substitution p.Gln83Arg. To our knowledge, this variant has not been reported in the literature or in a large population database (gnomAD), indicating this variant is rare. At this time, the clinical significance of this variant is uncertain due to the absence of conclusive functional and genetic evidence.